The following is an entry in ClinVar:

NM_001458.5(FLNC):c.7240A>C (p.Thr2414Pro)

Genes: FLNC-AS1 (FLNC antisense RNA 1; minus strand), FLNC (filamin C; plus strand). Cytogenetic location: 7q32.1.
Variant type: single nucleotide variant.
Coding change: c.7240A>C on transcript NM_001458.5 (MANE Select); coding-DNA position 7240, A replaced by C.
Protein change: p.Thr2414Pro; replaces threonine 2414 with proline.
Molecular consequence: missense variant.
Genome position (GRCh38, 1-based): chr7:128,855,303, A>C. VCF-style: chr7-128855303-A-C. GRCh37 (hg19) VCF-style: chr7-128495357-A-C.
Other names: c.7141A>C, p.Thr2381Pro (NM_001127487.2); short protein forms T2381P, T2414P.
Identifiers: ClinVar variation 4812685 (VCV004812685.1).

ClinVar aggregate classification (germline): Uncertain significance (1 of 4 stars; one submission).

Conditions:
Hypertrophic cardiomyopathy 26. Also called: Cardiomyopathy, familial hypertrophic, 26. Identifiers: Orphanet 75249, MedGen C4310749, MONDO:0014883, OMIM 617047.
Myofibrillar myopathy 5. Also called: Filaminopathy (type); FILAMINOPATHY, AUTOSOMAL DOMINANT. Identifiers: Orphanet 171445, MedGen C1836050, MONDO:0012289, OMIM 609524.
Distal myopathy with posterior leg and anterior hand involvement. Also called: WILLIAMS DISTAL MYOPATHY. Identifiers: Orphanet 63273, MedGen C3279722, MONDO:0013550, OMIM 614065.

Submission:

Labcorp Genetics (formerly Invitae), Labcorp
Classification: Uncertain significance for Distal myopathy with posterior leg and anterior hand involvement; Myofibrillar myopathy 5; Hypertrophic cardiomyopathy 26. Last evaluated: 2025-12-16. Review status: criteria provided, single submitter. Criteria: Invitae Variant Classification Sherloc (09022015). Collection method: clinical testing. Allele origin: germline.
Comment: This sequence change replaces threonine, which is neutral and polar, with proline, which is neutral and non-polar, at codon 2414 of the FLNC protein (p.Thr2414Pro). This variant is not present in population databases (gnomAD no frequency). This variant has not been reported in the literature in individuals affected with FLNC-related conditions. Invitae Evidence Modeling of protein sequence and biophysical properties (such as structural, functional, and spatial information, amino acid conservation, physicochemical variation, residue mobility, and thermodynamic stability) indicates that this missense variant is not expected to disrupt FLNC protein function with a negative predictive value of 80%. In summary, the available evidence is currently insufficient to determine the role of this variant in disease. Therefore, it has been classified as a Variant of Uncertain Significance.